The following is an entry in ClinVar:

NM_000098.3(CPT2):c.1665C>G (p.His555Gln)

Gene: CPT2 (carnitine palmitoyltransferase 2; plus strand). Cytogenetic location: 1p32.3.
Variant type: single nucleotide variant.
Coding change: c.1665C>G on transcript NM_000098.3 (MANE Select); coding-DNA position 1665, C replaced by G.
Protein change: p.His555Gln; replaces histidine 555 with glutamine.
Molecular consequence: missense variant.
Genome position (GRCh38, 1-based): chr1:53,213,283, C>G. VCF-style: chr1-53213283-C-G. GRCh37 (hg19) VCF-style: chr1-53678955-C-G.
Other names: c.1596C>G, p.His532Gln (NM_001330589.2); short protein forms H555Q, H532Q.
Identifiers: ClinVar variation 972398 (VCV000972398.14), dbSNP rs1557719450, ClinGen allele CA340397396.
Genomic context (GRCh38, chr1:53,213,283, plus strand): 5'-TTCCATCCTGAGACTCTGGTTTTCCATTTTGTTTCTCACAGGCCAGGGCTTTGACCGACA[C>G]TTGTTTGCTCTGCGGCATCTGGCAGCAGCCAAAGGGATCATCTTGCCTGAGCTCTACCTG-3'
Protein context (NP_000089.1, residues 545-565): EAAMGQGFDR[His555Gln]LFALRHLAAA

ClinVar aggregate classification (germline): Pathogenic/Likely pathogenic. Review status: criteria provided, multiple submitters, no conflicts (2 of 4 stars). 3 submissions from 3 submitters: Pathogenic (1); Likely pathogenic (1). 1 of the submissions does not count toward it. Last evaluated 2025-12-01.

Conditions:
CPT2-related disorder. Also called: CPT2-related condition.
Carnitine palmitoyltransferase II deficiency. Also called: Carnitine Palmitoyltransferase 2 Deficiency. Identifiers: Orphanet 157, MedGen C0342790, MONDO:0015515.

Allele frequency attached by ClinVar (database versions not stated): gnomAD exomes 0.00001.
gnomAD v4.1: 8 of 1,614,210 alleles (0.0005%); highest among the groups gnomAD compares: African/African-American, 0.0013%; no homozygotes.

Submissions (3):

Labcorp Genetics (formerly Invitae), Labcorp
Classification: Pathogenic for Carnitine palmitoyltransferase II deficiency. Last evaluated: 2025-12-01. Review status: criteria provided, single submitter. Criteria: Invitae Variant Classification Sherloc (09022015). Collection method: clinical testing. Allele origin: germline.
Comment: This sequence change replaces histidine, which is basic and polar, with glutamine, which is neutral and polar, at codon 555 of the CPT2 protein (p.His555Gln). This variant is present in population databases (no rsID available, gnomAD 0.003%). This missense change has been observed in individual(s) with features of autosomal recessive carnitine palmitoyltransferase II deficiency (PMID: 29744303; internal data). In at least one individual the data is consistent with being in trans (on the opposite chromosome) from a pathogenic variant. It has also been observed to segregate with disease in related individuals. ClinVar contains an entry for this variant (Variation ID: 972398). Invitae Evidence Modeling of protein sequence and biophysical properties (such as structural, functional, and spatial information, amino acid conservation, physicochemical variation, residue mobility, and thermodynamic stability) indicates that this missense variant is expected to disrupt CPT2 protein function with a positive predictive value of 95%. For these reasons, this variant has been classified as Pathogenic.

Blueprint Genetics
Classification: Likely pathogenic for CPT2-related disorders. Last evaluated: 2022-03-31. Review status: criteria provided, single submitter. Criteria: ACMG Guidelines, 2015. Collection method: clinical testing. Allele origin: germline. Affected: yes. Observed: 2 variant alleles.

Natera, Inc.
Classification: Uncertain significance for Carnitine palmitoyltransferase II deficiency. Last evaluated: 2021-04-27. Review status: no assertion criteria provided. Collection method: clinical testing. Allele origin: germline. Not counted in ClinVar's aggregate classification.

Literature cited by the submitters: PubMed 29744303 (cited by Labcorp Genetics (formerly Invitae), Labcorp).